The following is an entry in ClinVar:

NM_025137.4(SPG11):c.3176C>A (p.Ala1059Glu)

Gene: SPG11 (SPG11 vesicle trafficking associated, spatacsin; minus strand). Cytogenetic location: 15q21.1.
Variant type: single nucleotide variant.
Coding change: c.3176C>A on transcript NM_025137.4 (MANE Select); coding-DNA position 3176, C replaced by A.
Protein change: p.Ala1059Glu; replaces alanine 1059 with glutamic acid.
Molecular consequence: missense variant.
Genome position (GRCh38, 1-based): chr15:44,610,955, G>T on the plus strand (C>A on the coding strand, the complement: SPG11 is on the minus strand). VCF-style: chr15-44610955-G-T. GRCh37 (hg19) VCF-style: chr15-44903153-G-T.
Other names: c.3176C>A, p.Ala1059Glu (NM_001160227.2, NM_001411132.1); short protein forms A1059E.
Identifiers: ClinVar variation 4745241 (VCV004745241.1).

ClinVar aggregate classification (germline): Uncertain significance (1 of 4 stars; one submission).

Conditions:
Hereditary spastic paraplegia 11. Also called: Spastic paraplegia, mental retardation and thin corpus callosum; SPASTIC PARAPLEGIA, AUTOSOMAL RECESSIVE, COMPLICATED, WITH THIN CORPUS CALLOSUM; SPASTIC PARAPLEGIA, AUTOSOMAL RECESSIVE, WITH MENTAL IMPAIRMENT AND THIN CORPUS CALLOSUM; Nakamura Osame syndrome; Autosomal recessive hereditary spastic paraplegia, mental impairment, and thin corpus callosum; Spastic Paraplegia 11. Identifiers: Orphanet 2822, MedGen C1858479, MONDO:0011445, OMIM 604360.

Submission:

Labcorp Genetics (formerly Invitae), Labcorp
Classification: Uncertain significance for Hereditary spastic paraplegia 11. Last evaluated: 2025-07-15. Review status: criteria provided, single submitter. Criteria: Invitae Variant Classification Sherloc (09022015). Collection method: clinical testing. Allele origin: germline.
Comment: This sequence change replaces alanine, which is neutral and non-polar, with glutamic acid, which is acidic and polar, at codon 1059 of the SPG11 protein (p.Ala1059Glu). This variant is not present in population databases (gnomAD no frequency). This variant has not been reported in the literature in individuals affected with SPG11-related conditions. Invitae Evidence Modeling of protein sequence and biophysical properties (such as structural, functional, and spatial information, amino acid conservation, physicochemical variation, residue mobility, and thermodynamic stability) indicates that this missense variant is not expected to disrupt SPG11 protein function with a negative predictive value of 80%. In summary, the available evidence is currently insufficient to determine the role of this variant in disease. Therefore, it has been classified as a Variant of Uncertain Significance.